The following is an entry in ClinVar:

NM_001349338.3(FOXP1):c.812T>C (p.Met271Thr)

Gene: FOXP1 (forkhead box P1; minus strand). Cytogenetic location: 3p13.
Variant type: single nucleotide variant.
Coding change: c.812T>C on transcript NM_001349338.3 (MANE Select); coding-DNA position 812, T replaced by C.
Protein change: p.Met271Thr; replaces methionine 271 with threonine.
Molecular consequence: missense variant. On other transcripts: non-coding transcript variant (2).
Genome position (GRCh38, 1-based): chr3:71,041,385, A>G on the plus strand (T>C on the coding strand, the complement: FOXP1 is on the minus strand). VCF-style: chr3-71041385-A-G. GRCh37 (hg19) VCF-style: chr3-71090536-A-G.
Other names: c.812T>C, p.Met271Thr (NM_001244808.3, NM_001244810.2, NM_001244814.3 and 3 more transcripts); c.584T>C, p.Met195Thr (NM_001244812.3); c.512T>C, p.Met171Thr (NM_001244813.3, NM_001244815.2, NM_001349342.3 and 1 more transcripts); c.509T>C, p.Met170Thr (NM_001349337.2, NM_001349343.3, NM_001349344.3); c.809T>C, p.Met270Thr (NM_001349341.3); short protein forms M170T, M171T, M270T, M271T, M195T.
Identifiers: ClinVar variation 3685698 (VCV003685698.2).

ClinVar aggregate classification (germline): Uncertain significance (1 of 4 stars; one submission).

gnomAD v4.1: 3 of 1,613,712 alleles (0.00019%); highest among the groups gnomAD compares: Admixed American, 0.0033%; no homozygotes.

Submission:

Labcorp Genetics (formerly Invitae), Labcorp
Classification: Uncertain significance. Last evaluated: 2025-05-22. Review status: criteria provided, single submitter. Criteria: Invitae Variant Classification Sherloc (09022015). Collection method: clinical testing. Allele origin: germline.
Comment: This sequence change replaces methionine, which is neutral and non-polar, with threonine, which is neutral and polar, at codon 271 of the FOXP1 protein (p.Met271Thr). This variant is present in population databases (no rsID available, gnomAD 0.003%). This variant has not been reported in the literature in individuals affected with FOXP1-related conditions. ClinVar contains an entry for this variant (Variation ID: 3685698). Invitae Evidence Modeling of protein sequence and biophysical properties (such as structural, functional, and spatial information, amino acid conservation, physicochemical variation, residue mobility, and thermodynamic stability) indicates that this missense variant is not expected to disrupt FOXP1 protein function with a negative predictive value of 80%. In summary, the available evidence is currently insufficient to determine the role of this variant in disease. Therefore, it has been classified as a Variant of Uncertain Significance.